The following is an entry in ClinVar:

NM_002769.5(PRSS1):c.607_618del (p.Pro203_Cys206del)

Genes: PRSS1 (serine protease 1; plus strand), TRB (T cell receptor beta locus; plus strand). Cytogenetic location: 7q34.
Variant type: Deletion.
Coding change: c.607_618del on transcript NM_002769.5 (MANE Select); coding-DNA positions 607 to 618, 12 bases deleted (CCTGTGGTCTGC).
Protein change: p.Pro203_Cys206del.
Molecular consequence: non-coding transcript variant (on NR_172947.1).
Genome position (GRCh38, 1-based): chr7:142,752,883-142,752,894, CCTGTGGTCTGC deleted; deleting any 12 consecutive bases within chr7:142,752,881-142,752,894 gives the same sequence; the c. name uses the placement nearest the transcript's 3' end. VCF-style (leftmost placement, unchanged base first): chr7-142752880-GGCCCTGTGGTCT-G. GRCh37 (hg19) VCF-style: chr7-142460731-GGCCCTGTGGTCT-G.
Identifiers: ClinVar variation 5027394 (VCV005027394.1).
Genomic context (GRCh38, chr7:142,752,880, plus strand): 5'-ATATTCCTCCTCCATCTCTCCATACAACTTGTCCCTTCTTCCCCCCAGGGTGATTCTGGT[GGCCCTGTGGTCT>G]GCAATGGACAGCTCCAAGGAGTTGTCTCCTGGGGTGATGGCTGTGCCCAGAAGAACAAGC-3'

ClinVar aggregate classification (germline): Uncertain significance (1 of 4 stars; one submission).

Conditions:
Hereditary pancreatitis (PCTT). Also called: Hereditary chronic pancreatitis; PRSS1-Related Hereditary Pancreatitis. Identifiers: Orphanet 676, MedGen C0238339, MONDO:0008185, OMIM 167800.

Submission:

Ambry Genetics
Classification: Uncertain significance for Hereditary pancreatitis. Last evaluated: 2026-08-31. Review status: criteria provided, single submitter. Criteria: Ambry Variant Classification Scheme 2023. Collection method: clinical testing. Allele origin: germline.
Comment: The c.607_618del12 variant (also known as p.P203_C206del) is located in coding exon 5 of the PRSS1 gene. This variant results from an in-frame CCTGTGGTCTGC deletion at nucleotide positions 607 to 618. This results in the in-frame deletion of four amino acid residues at codons 203 to 206. This amino acid region is highly conserved in available vertebrate species. In addition, this variant is predicted to be deleterious by in silico analysis (Choi Y et al. PLoS ONE. 2012; 7(10):e46688). Based on the available evidence, the clinical significance of this variant remains unclear.